The following is an entry in ClinVar:

ClinVar aggregate classification (germline): Uncertain significance. Review status: criteria provided, multiple submitters, no conflicts (2 of 4 stars). 2 submissions from 2 submitters: Uncertain significance (2). Last evaluated 2026-03-18.

Conditions:
Familial cold autoinflammatory syndrome 3 (FCAS3). Also called: FAMILIAL ATYPICAL COLD URTICARIA; ANTIBODY DEFICIENCY AND IMMUNE DYSREGULATION, PLCG2-ASSOCIATED. Identifiers: Orphanet 300359, MedGen C3280914, MONDO:0013766, OMIM 614468.

Allele frequency attached by ClinVar (database versions not stated): gnomAD exomes below 0.00001; gnomAD 0.00001.
gnomAD v4.1: 3 of 1,614,056 alleles (0.00019%); highest among the groups gnomAD compares: Non-Finnish European, 0.00025%; no homozygotes.

Submissions (2):

Women's Health and Genetics/Laboratory Corporation of America, LabCorp
Classification: Uncertain significance. Last evaluated: 2026-03-18. Review status: criteria provided, single submitter. Criteria: LabCorp Variant Classification Summary - May 2015. Collection method: clinical testing. Allele origin: germline.
Comment: Variant summary: PLCG2 c.2166G>C (p.Lys722Asn) results in a non-conservative amino acid change in the encoded protein sequence. Algorithms developed to predict the effect of missense changes on protein structure and function are either unavailable or do not agree on the potential impact of this missense change. The variant was absent in 249576 control chromosomes. The available data on variant occurrences in the general population are insufficient to allow any conclusion about variant significance. To our knowledge, no occurrence of c.2166G>C in individuals affected with PLCG2-related conditions and no experimental evidence demonstrating its impact on protein function have been reported. ClinVar contains an entry for this variant (Variation ID: 2161436). Based on the evidence outlined above, the variant was classified as uncertain significance.

Labcorp Genetics (formerly Invitae), Labcorp
Classification: Uncertain significance for Familial cold autoinflammatory syndrome 3. Last evaluated: 2022-03-12. Review status: criteria provided, single submitter. Criteria: Invitae Variant Classification Sherloc (09022015). Collection method: clinical testing. Allele origin: germline.
Comment: This sequence change replaces lysine, which is basic and polar, with asparagine, which is neutral and polar, at codon 722 of the PLCG2 protein (p.Lys722Asn). This variant is not present in population databases (gnomAD no frequency). This variant has not been reported in the literature in individuals affected with PLCG2-related conditions. Algorithms developed to predict the effect of missense changes on protein structure and function (SIFT, PolyPhen-2, Align-GVGD) all suggest that this variant is likely to be tolerated. In summary, the available evidence is currently insufficient to determine the role of this variant in disease. Therefore, it has been classified as a Variant of Uncertain Significance.

NM_002661.5(PLCG2):c.2166G>C (p.Lys722Asn)

Gene: PLCG2 (phospholipase C gamma 2; plus strand). Cytogenetic location: 16q23.3.
Variant type: single nucleotide variant.
Coding change: c.2166G>C on transcript NM_002661.5 (MANE Select); coding-DNA position 2166, G replaced by C.
Protein change: p.Lys722Asn; replaces lysine 722 with asparagine.
Molecular consequence: missense variant.
Genome position (GRCh38, 1-based): chr16:81,919,595, G>C. VCF-style: chr16-81919595-G-C. GRCh37 (hg19) VCF-style: chr16-81953200-G-C.
Other names: short protein forms K722N.
Identifiers: ClinVar variation 2161436 (VCV002161436.6), dbSNP rs375200129, ClinGen allele CA285164783.